The following is an entry in ClinVar:

NM_005045.4(RELN):c.9593A>G (p.His3198Arg)

Genes: RELN (reelin; minus strand), SLC26A5-AS1 (SLC26A5 antisense RNA 1; plus strand), LOC126860130 (BRD4-independent group 4 enhancer GRCh37_chr7:103130126-103131325; plus strand). Cytogenetic location: 7q22.1.
Variant type: single nucleotide variant.
Coding change: c.9593A>G on transcript NM_005045.4 (MANE Select); coding-DNA position 9593, A replaced by G.
Protein change: p.His3198Arg; replaces histidine 3198 with arginine.
Molecular consequence: missense variant.
Genome position (GRCh38, 1-based): chr7:103,490,680, T>C on the plus strand (A>G on the coding strand, the complement: RELN is on the minus strand). VCF-style: chr7-103490680-T-C. GRCh37 (hg19) VCF-style: chr7-103131127-T-C.
Other names: c.9593A>G, p.His3198Arg (NM_173054.3); short protein forms H3198R.
Identifiers: ClinVar variation 3432034 (VCV003432034.2).

ClinVar aggregate classification (germline): Uncertain significance. Review status: criteria provided, multiple submitters, no conflicts (2 of 4 stars). 2 submissions from 2 submitters: Uncertain significance (2). Last evaluated 2025-06-29.

Conditions:
Norman-Roberts syndrome (LIS2). Also called: Lissencephaly 2 (Norman-Roberts type). Identifiers: Orphanet 89844, MedGen C0796089, MONDO:0009760, OMIM 257320.
Familial temporal lobe epilepsy 7. Identifiers: Orphanet 101046, MedGen C4225327, MONDO:0014639, OMIM 616436.
Inborn genetic diseases. Identifiers: MedGen C0950123, MeSH D030342.

gnomAD v4.1: 42 of 1,614,200 alleles (0.0026%); highest among the groups gnomAD compares: Non-Finnish European, 0.0033%; no homozygotes.

Submissions (2):

Labcorp Genetics (formerly Invitae), Labcorp
Classification: Uncertain significance for Familial temporal lobe epilepsy 7; Norman-Roberts syndrome. Last evaluated: 2025-06-29. Review status: criteria provided, single submitter. Criteria: Invitae Variant Classification Sherloc (09022015). Collection method: clinical testing. Allele origin: germline.
Comment: This sequence change replaces histidine, which is basic and polar, with arginine, which is basic and polar, at codon 3198 of the RELN protein (p.His3198Arg). This variant is present in population databases (no rsID available, gnomAD 0.002%). This variant has not been reported in the literature in individuals affected with RELN-related conditions. ClinVar contains an entry for this variant (Variation ID: 3432034). Invitae Evidence Modeling of protein sequence and biophysical properties (such as structural, functional, and spatial information, amino acid conservation, physicochemical variation, residue mobility, and thermodynamic stability) indicates that this missense variant is not expected to disrupt RELN protein function with a negative predictive value of 80%. In summary, the available evidence is currently insufficient to determine the role of this variant in disease. Therefore, it has been classified as a Variant of Uncertain Significance.

Ambry Genetics
Classification: Uncertain significance for Inborn genetic diseases. Last evaluated: 2024-12-10. Review status: criteria provided, single submitter. Criteria: Ambry Variant Classification Scheme 2023. Collection method: clinical testing. Allele origin: germline.